The following is an entry in ClinVar:

ClinVar aggregate classification (germline): Pathogenic/Likely pathogenic. Review status: criteria provided, multiple submitters, no conflicts (2 of 4 stars). 29 submissions from 29 submitters: Pathogenic (18); Likely pathogenic (6). 5 of the submissions do not count toward it. Last evaluated 2026-01-08.

Conditions:
SLC12A3-related disorder. Also called: SLC12A3-related condition.
Familial hypokalemia-hypomagnesemia (GTLMNS). Also called: gitelman syndrome; HYPOMAGNESEMIA-HYPOKALEMIA, PRIMARY RENOTUBULAR, WITH HYPOCALCIURIA; POTASSIUM AND MAGNESIUM DEPLETION. Identifiers: Orphanet 358, MedGen C0268450, MONDO:0009904, OMIM 263800.
Bartter syndrome. Identifiers: Orphanet 112, MedGen C0004775, MONDO:0015231.
Renal tubulopathies.
Inborn genetic diseases. Identifiers: MedGen C0950123, MeSH D030342.

Allele frequency attached by ClinVar (database versions not stated): gnomAD exomes 0.00012 and 0.00016; ExAC 0.00018; TOPMed 0.00019; 1000 Genomes Project 0.00020; ESP Exome Variant Server 0.00031; gnomAD 0.00014; 1000 Genomes Project 30x 0.00031.
gnomAD v4.1: 206 of 1,612,442 alleles (0.013%); highest among the groups gnomAD compares: Admixed American, 0.043%; no homozygotes.

Submissions 1 to 12 of 29:

Genetics Laboratory, Great Ormond Street Hospital NHS Foundation Trust, North Thames Genomic Laboratory Hub
Classification: Pathogenic for Renal tubulopathies. Last evaluated: 2026-01-08. Review status: criteria provided, single submitter. Criteria: ACGS Best Practice Guidelines for Variant Classification in Rare Disease 2024 v1.2. Collection method: clinical testing. Allele origin: germline. Affected: yes.
Comment: PM2_moderate, PP3_supporting, PM1_moderate, PM3_strong, PP4_supporting

Natera, Inc.
Classification: Pathogenic for Gitelman syndrome. Last evaluated: 2025-12-05. Review status: criteria provided, single submitter. Criteria: Natera Variant Classification Schema (03/2026). Collection method: clinical testing. Allele origin: germline.
Comment: The c.1928C>T variant in SLC12A3 is a missense variant predicted to cause substitution of proline to leucine at amino acid 643. This variant is rare in the general population with a frequency below the threshold expected for the associated phenotype(s). This variant has been observed in one or more individuals affected with the associated recessive disease, as either homozygous or compound heterozygous with a second variant (PMID: 31672324). This variant has been observed to segregate in affected family members (PMID: 22169961). Computational prediction algorithms indicate this variant is likely to affect gene or protein function. Given the available evidence, this variant is classified as Pathogenic.

Labcorp Genetics (formerly Invitae), Labcorp
Classification: Likely pathogenic. Last evaluated: 2025-12-03. Review status: criteria provided, single submitter. Criteria: Invitae Variant Classification Sherloc (09022015). Collection method: clinical testing. Allele origin: germline.
Comment: This sequence change replaces proline, which is neutral and non-polar, with leucine, which is neutral and non-polar, at codon 643 of the SLC12A3 protein (p.Pro643Leu). This variant is present in population databases (rs140012781, gnomAD 0.2%). This missense change has been observed in individuals with Gitelman syndrome (PMID: 11168953, 11940055, 17654016, 21753071, 22169961). ClinVar contains an entry for this variant (Variation ID: 417863). An algorithm developed to predict the effect of missense changes on protein structure and function (PolyPhen-2) suggests that this variant is likely to be disruptive. In summary, the currently available evidence indicates that the variant is pathogenic, but additional data are needed to prove that conclusively. Therefore, this variant has been classified as Likely Pathogenic.

Nephrology, University of Crete, University General Hospital of Heraklion
Classification: Pathogenic for Familial hypokalemia-hypomagnesemia. Last evaluated: 2025-11-05. Review status: criteria provided, single submitter. Criteria: ACMG Guidelines, 2015. Collection method: clinical testing. Allele origin: unknown. Affected: yes.

Dasa
Classification: Pathogenic. Last evaluated: 2025-05-26. Review status: criteria provided, single submitter. Criteria: DASA Assertion Criteria. Collection method: clinical testing. Allele origin: germline.
Comment: NM_001126108.2(SLC12A3):c.1928C>T (p.Pro643Leu) is a missense variant that results in the substitution of proline with leucine. The affected residue or protein region has prior evidence supporting clinical relevance. This variant has been observed in affected individuals with related phenotype in a genotype context consistent with recessive disease (PMID: 11168953; PMID: 11940055; PMID: 17654016; PMID: 21753071; PMID: 22169961). Functional evidence supports a deleterious effect on the gene or gene product (PMID: 11168953; PMID: 11940055; PMID: 17654016; PMID: 21753071; PMID: 22169961). This variant has been recurrently observed in individuals with related phenotype (PMID: 11168953; PMID: 11940055; PMID: 17654016; PMID: 21753071; PMID: 22169961). Segregation evidence has been reported in affected families. Multiple computational predictions support a deleterious effect on the gene or gene product. The variant is present at low frequency in population datasets. Based on the available data, this variant is classified as pathogenic.

Blueprint Genetics
Classification: Pathogenic for SLC12A3-related disorders. Last evaluated: 2024-10-07. Review status: criteria provided, single submitter. Criteria: ACMG Guidelines, 2015. Collection method: clinical testing. Allele origin: germline. Affected: yes. Observed: 5 variant alleles.

Genomic Medicine Center of Excellence, King Faisal Specialist Hospital and Research Centre
Classification: Likely pathogenic for Familial hypokalemia-hypomagnesemia. Last evaluated: 2024-09-22. Review status: criteria provided, single submitter. Criteria: ACMG Guidelines, 2015. Collection method: clinical testing. Allele origin: germline.

Greenwood Genetic Center Diagnostic Laboratories, Greenwood Genetic Center
Classification: Pathogenic for Familial hypokalemia-hypomagnesemia. Last evaluated: 2024-08-20. Review status: criteria provided, single submitter. Criteria: ACMG Guidelines, 2015. Collection method: clinical testing. Allele origin: germline. Affected: yes.
Comment: PS3_Moderate, PM2, PM3_Very Strong, PP3

Fulgent Genetics
Classification: Pathogenic for Familial hypokalemia-hypomagnesemia. Last evaluated: 2024-06-03. Review status: criteria provided, single submitter. Criteria: ACMG Guidelines, 2015. Collection method: clinical testing. Allele origin: germline.

GeneDx
Classification: Pathogenic. Last evaluated: 2024-04-22. Review status: criteria provided, single submitter. Criteria: GeneDx Variant Classification Process June 2021. Collection method: clinical testing. Allele origin: germline. Affected: yes.
Comment: In silico analysis supports that this missense variant has a deleterious effect on protein structure/function; This variant is associated with the following publications: (PMID: 22169961, 11940055, 17654016, 19349556, 11168953, 15976513, 21753071, 22009145, 28947054, 21415153, 33585337, 31672324, 32129221, 34426522, 35753512, 35327948, 30476936, 25990047, 37078890, 37537162, Gozetici2022[CaseReport], 35628451)

Revvity Omics, Revvity
Classification: Pathogenic for Familial hypokalemia-hypomagnesemia. Last evaluated: 2024-03-01. Review status: criteria provided, single submitter. Criteria: ACMG Guidelines, 2015. Collection method: clinical testing. Allele origin: germline.

Laboratory for Molecular Medicine, Mass General Brigham Personalized Medicine
Classification: Pathogenic for Familial hypokalemia-hypomagnesemia. Last evaluated: 2023-11-13. Review status: criteria provided, single submitter. Criteria: ACMG Guidelines, 2015. Collection method: clinical testing. Allele origin: germline. Inheritance: Autosomal recessive inheritance.
Comment: The p.Pro643Leu variant in SLC12A3 has been reported in the homozygous or compound heterozygous state in at least 20 individuals (3 homozygotes; 17 compound heterozygotes) with clinical features of or a diagnosis of Gitelman syndrome and segregated with disease in 1 affected individual from 1 family (Cruz 2001 PMID: 11168953, Pantanetti 2002 PMID: 11940055, Talaulikar 2005 PMID: 15976513, Fava 2007 PMID: 17654016, Balavoine 2011 PMID: 21753071, Vargas-Poussou 2011 PMID: 21415153, Glaudemans 2012 PMID: 22009145, Zahed 2017 PMID: 28947054). This variant has also been reported by other clinical laboratories in ClinVar (Variation ID 417863) and has been identified in 0.17% (6/3472) of Ashkenazi Jewish and 0.079% (12/15286) of Latino chromosomes by gnomAD (v.3.1.2). This frequency is low enough to be consistent with the frequency of Gitelman syndrome in the general population. Computational prediction tools and conservation analyses are consistent with pathogenicity. In summary, this variant meets criteria to be classified as pathogenic for autosomal recessive Gitelman syndrome. ACMG/AMP Criteria applied: PM3_VeryStrong, PM2_supporting, PP3.

NM_001126108.2(SLC12A3):c.1928C>T (p.Pro643Leu)

Gene: SLC12A3 (solute carrier family 12 member 3; plus strand). Cytogenetic location: 16q13.
Variant type: single nucleotide variant.
Coding change: c.1928C>T on transcript NM_001126108.2 (MANE Select); coding-DNA position 1928, C replaced by T.
Protein change: p.Pro643Leu; replaces proline 643 with leucine.
Molecular consequence: missense variant.
Genome position (GRCh38, 1-based): chr16:56,886,366, C>T. VCF-style: chr16-56886366-C-T. GRCh37 (hg19) VCF-style: chr16-56920278-C-T.
Other names: c.1928C>T, p.Pro643Leu (NM_000339.3); c.1925C>T, p.Pro642Leu (NM_001126107.2); c.1928C>T (NM_001126108.1); short protein forms P643L, P642L.
Identifiers: ClinVar variation 417863 (VCV000417863.45), dbSNP rs140012781, ClinGen allele CA8069667.
Genomic context (GRCh38, chr16:56,886,366, plus strand): 5'-CCCAGACCCCCGTGGGCTCTCTCCTGATGGCTCCTGCCCTTTTCCCTTCCCTCCTCAGCC[C>T]CCAGTGCCTGGTGCTCACGGGGCCCCCCAACTTCCGCCCGGCCCTGGTGGACTTTGTGGG-3'
Protein context (NP_001119580.2, residues 633-653): EVEDHIKNYR[Pro643Leu]QCLVLTGPPN